The following is an entry in ClinVar:

NM_016373.4(WWOX):c.442G>A (p.Gly148Ser)

Gene: WWOX (WW domain containing oxidoreductase; plus strand). Cytogenetic location: 16q23.1.
Variant type: single nucleotide variant.
Coding change: c.442G>A on transcript NM_016373.4 (MANE Select); coding-DNA position 442, G replaced by A.
Protein change: p.Gly148Ser; replaces glycine 148 with serine.
Molecular consequence: missense variant. On other transcripts: non-coding transcript variant (1).
Genome position (GRCh38, 1-based): chr16:78,164,215, G>A. VCF-style: chr16-78164215-G-A. GRCh37 (hg19) VCF-style: chr16-78198112-G-A.
Other names: c.103G>A, p.Gly35Ser (NM_001291997.2); c.442G>A, p.Gly148Ser (NM_130791.5); short protein forms G35S, G148S.
Identifiers: ClinVar variation 5007647 (VCV005007647.1).

ClinVar aggregate classification (germline): Uncertain significance (1 of 4 stars; one submission).

Conditions:
Developmental and epileptic encephalopathy, 28 (DEE28). Also called: Epileptic encephalopathy, early infantile, 28. Identifiers: Orphanet 442835, MedGen C4015519, MONDO:0014533, OMIM 616211.
Malignant tumor of esophagus. Also called: Esophageal cancer, somatic; Esophageal cancer. Identifiers: Orphanet 99977, MedGen C0546837, MONDO:0007576, OMIM 133239.
Autosomal recessive spinocerebellar ataxia 12. Also called: SPINOCEREBELLAR ATAXIA WITH MENTAL RETARDATION AND EPILEPSY. Identifiers: Orphanet 284282, MedGen C3280452, MONDO:0013687, OMIM 614322.

Submission:

Juno Genomics, Hangzhou Juno Genomics, Inc
Classification: Uncertain significance for Autosomal recessive spinocerebellar ataxia 12; Developmental and epileptic encephalopathy, 28; Malignant tumor of esophagus. Review status: criteria provided, single submitter. Criteria: ACMG Guidelines, 2015. Collection method: clinical testing. Allele origin: germline. Affected: yes.
Comment: Absent from controls (or at extremely low frequency if recessive) in Genome Aggregation Database.;Multiple lines of computational evidence support a deleterious effect on the gene or gene product.;For recessive disorders, detected in trans with a pathogenic variant.;Patient's phenotype or family history is highly specific for a disease with a single genetic etiology.